The following is an entry in ClinVar:

ClinVar aggregate classification (germline): Conflicting classifications of pathogenicity. Review status: criteria provided, conflicting classifications (1 of 4 stars). 5 submissions from 5 submitters: Uncertain significance (1); Likely benign (4). Last evaluated 2026-02-11.

Conditions:
Choanal atresia-athelia-hypothyroidism-delayed puberty-short stature syndrome (BCAHH). Also called: BRANCHIAL ARCH ABNORMALITIES, CHOANAL ATRESIA, ATHELIA, HEARING LOSS, AND HYPOTHYROIDISM SYNDROME. Identifiers: Orphanet 589856, MedGen C5680310, MONDO:0035651, OMIM 620186.
Kabuki syndrome 1 (KABUK1). Also called: KMT2D-Related Kabuki Syndrome. Identifiers: Orphanet 2322, MedGen CN030661, MONDO:0007843, OMIM 147920.
KMT2D-related disorder. Also called: KMT2D-Related Disorders.
Kabuki syndrome. Also called: NIIKAWA-KUROKI SYNDROME; Kabuki make-up syndrome. Identifiers: Orphanet 2322, MedGen C0796004, MONDO:0016512.

Allele frequency attached by ClinVar (database versions not stated): ExAC 0.00003; gnomAD 0.00005; TOPMed 0.00005.
gnomAD v4.1: 32 of 1,613,568 alleles (0.002%); highest among the groups gnomAD compares: East Asian, 0.018%; no homozygotes.

Submissions (5):

PreventionGenetics, part of Exact Sciences
Classification: Likely benign for KMT2D-related condition. Last evaluated: 2026-02-11. Review status: criteria provided, single submitter. Criteria: ACMG Guidelines, 2015. Collection method: clinical testing. Allele origin: germline.
Comment: This variant is classified as likely benign based on ACMG/AMP sequence variant interpretation guidelines (Richards et al. 2015 PMID: 25741868, with internal and published modifications).

Labcorp Genetics (formerly Invitae), Labcorp
Classification: Likely benign for Kabuki syndrome. Last evaluated: 2024-09-30. Review status: criteria provided, single submitter. Criteria: Invitae Variant Classification Sherloc (09022015). Collection method: clinical testing. Allele origin: germline.

Fulgent Genetics
Classification: Uncertain significance for Kabuki syndrome 1; Choanal atresia-athelia-hypothyroidism-delayed puberty-short stature syndrome. Last evaluated: 2024-03-25. Review status: criteria provided, single submitter. Criteria: ACMG Guidelines, 2015. Collection method: clinical testing. Allele origin: germline.

Blueprint Genetics
Classification: Likely benign. Last evaluated: 2023-07-12. Review status: criteria provided, single submitter. Criteria: ACMG Guidelines, 2015. Collection method: clinical testing. Allele origin: germline.

Genetic Services Laboratory, University of Chicago
Classification: Likely benign. Last evaluated: 2021-12-13. Review status: criteria provided, single submitter. Criteria: ACMG Guidelines, 2015. Collection method: clinical testing. Allele origin: germline. Affected: no.

NM_003482.4(KMT2D):c.13710C>T (p.Thr4570=)

Gene: KMT2D (lysine methyltransferase 2D; minus strand). Cytogenetic location: 12q13.12.
Variant type: single nucleotide variant.
Coding change: c.13710C>T on transcript NM_003482.4 (MANE Select); coding-DNA position 13710, C replaced by T.
Protein change: p.Thr4570=; no amino-acid change (threonine 4570 retained).
Molecular consequence: synonymous variant.
Genome position (GRCh38, 1-based): chr12:49,030,730, G>A on the plus strand (C>T on the coding strand, the complement: KMT2D is on the minus strand). VCF-style: chr12-49030730-G-A. GRCh37 (hg19) VCF-style: chr12-49424513-G-A.
Identifiers: ClinVar variation 1337130 (VCV001337130.14), dbSNP rs781047520, ClinGen allele CA6545919.
Genomic context (GRCh38, chr12:49,030,730, plus strand): 5'-CTGGCTCTGCCCATTGACTGGGCAGCCACTGCCAAAGGGGGCAAAGAGGCTAAAATTGGC[G>A]GTGATAGCAGGCTCCGTTAGGGGCAGCAGGGACAGCTCCTACAAGGGGCAAGATGACAAA-3'
Protein context (NP_003473.3, residues 4560-4580): SLLPLTEPAI[Thr4570=]ANFSLFAPFG